The following is an entry in ClinVar:

ClinVar aggregate classification (germline): Pathogenic/Likely pathogenic. Review status: criteria provided, multiple submitters, no conflicts (2 of 4 stars). 2 submissions from 2 submitters: Pathogenic (1); Likely pathogenic (1). Last evaluated 2024-05-01.

Allele frequency attached by ClinVar (database versions not stated): gnomAD exomes below 0.00001; gnomAD 0.00003 and 0.00004; TOPMed 0.00006.
gnomAD v4.1: 9 of 1,614,088 alleles (0.00056%); highest among the groups gnomAD compares: African/African-American, 0.011%; no homozygotes.

Submissions (2):

GeneDx
Classification: Likely pathogenic. Last evaluated: 2024-05-01. Review status: criteria provided, single submitter. Criteria: GeneDx Variant Classification Process June 2021. Collection method: clinical testing. Allele origin: germline. Affected: yes.
Comment: Nonsense variant predicted to result in protein truncation or nonsense mediated decay in a gene for which loss of function is a known mechanism of disease; This variant is associated with the following publications: (PMID: 31163360)

Eurofins Ntd Llc (ga)
Classification: Pathogenic. Last evaluated: 2016-12-07. Review status: criteria provided, single submitter. Criteria: EGL Classification Definitions 2015. Collection method: clinical testing. Allele origin: germline. Observed: 1 variant allele, 1 heterozygote.

NM_005422.4(TECTA):c.5826C>A (p.Tyr1942Ter)

Genes: TBCEL-TECTA (TBCEL-TECTA readthrough; plus strand), TECTA (tectorin alpha; plus strand). Cytogenetic location: 11q23.3.
Variant type: single nucleotide variant.
Coding change: c.5826C>A on transcript NM_005422.4 (MANE Select); coding-DNA position 5826, C replaced by A.
Protein change: p.Tyr1942Ter; replaces tyrosine 1942 with a stop codon.
Molecular consequence: nonsense.
Genome position (GRCh38, 1-based): chr11:121,168,752, C>A. VCF-style: chr11-121168752-C-A. GRCh37 (hg19) VCF-style: chr11-121039461-C-A.
Other names: c.6768C>A, p.Tyr2256Ter (NM_001378761.1); short protein forms Y1942*, Y2256*.
Identifiers: ClinVar variation 498535 (VCV000498535.6), dbSNP rs955468054, ClinGen allele CA229853292.
Genomic context (GRCh38, chr11:121,168,752, plus strand): 5'-AGTTCCAACCCAAGAAGGCAGCTTCATCACCAAGATGGCTCTCTACAAAAACGCCTCCTA[C>A]AAACATCCTTACCGCCAGGGTGAAGTAGTGTTGACGACTCGAGATGTGCTGTATGTAGGG-3'